The following is an entry in ClinVar:

NM_194248.3(OTOF):c.4882C>A (p.Pro1628Thr)

Gene: OTOF (otoferlin; minus strand). Cytogenetic location: 2p23.3.
Variant type: single nucleotide variant.
Coding change: c.4882C>A on transcript NM_194248.3 (MANE Select); coding-DNA position 4882, C replaced by A.
Protein change: p.Pro1628Thr; replaces proline 1628 with threonine.
Molecular consequence: missense variant.
Genome position (GRCh38, 1-based): chr2:26,464,947, G>T on the plus strand (C>A on the coding strand, the complement: OTOF is on the minus strand). VCF-style: chr2-26464947-G-T. GRCh37 (hg19) VCF-style: chr2-26687815-G-T.
Other names: DFNB9: otoferlin; c.4882C>A, p.Pro1628Thr (NM_001287489.2); c.2581C>A, p.Pro861Thr (NM_004802.4, NM_194323.3); c.2812C>A, p.Pro938Thr (NM_194322.3); short protein forms P1628T, P861T, P938T.
Identifiers: ClinVar variation 1202582 (VCV001202582.3), dbSNP rs760176622, ClinGen allele CA1563007.
Genomic context (GRCh38, chr2:26,464,947, plus strand): 5'-CAGAGGGCCCAGTGAAGACGCGGTTGGCCACCTTCACTCTCCCAGGGGGCCCAAAGTGGG[G>T]GCCGTCCACTTTGCCGTCTTTGCAGAGGCGGGTCAGGATCTGGCTGGGCTTCATGGGGTC-3'
Protein context (NP_919224.1, residues 1618-1638): RLCKDGKVDG[Pro1628Thr]HFGPPGRVKV

ClinVar aggregate classification (germline): Pathogenic (1 of 4 stars; one submission).

Conditions:
Autosomal recessive nonsyndromic hearing loss 9. Also called: OTOF-Related Hearing Loss; Deafness, autosomal recessive 9; NEUROSENSORY NONSYNDROMIC RECESSIVE DEAFNESS 9; AUDITORY NEUROPATHY, AUTOSOMAL RECESSIVE, 1, TEMPERATURE-SENSITIVE. Identifiers: Orphanet 90636, MedGen C1832828, MONDO:0010986, OMIM 601071.

Allele frequency attached by ClinVar (database versions not stated): ExAC 0.00001; gnomAD exomes 0.00001.
gnomAD v4.1: 2 of 1,575,932 alleles (0.00013%); highest among the groups gnomAD compares: East Asian, 0.0046%; no homozygotes.

Submission:

Nanfang Hospital, Southern Medical University
Classification: Pathogenic for Autosomal recessive nonsyndromic hearing loss 9. Last evaluated: 2021-08-16. Review status: criteria provided, single submitter. Criteria: Expert specification of the ACMG/AMP variant interpretation guidelines for genetic hearing loss. Collection method: research. Allele origin: paternal. Inheritance: Autosomal recessive inheritance. Affected: yes. Observed: 5 variant alleles, 1 heterozygote, 4 compound heterozygotes. Clinical features observed: Autosomal recessive inheritance (HP:0000007), Sensorineural hearing loss disorder (HP:0000407), Absence of acoustic reflex (HP:0008529), Absent brainstem auditory responses (HP:0004463), Temperature-sensitive auditory neuropathy.
Comment: The c.4882C>A (p.Pro1628Thr) variant was observed with the other variant, c.5098G>C (p.Glu1700Gln), in compound heterozygosity in a Chinese family with temperature-sensitive auditory neuropathy, segregated with the disease in 4 patients, and was absent in 200 normal-hearing controls matched for Chinese ethnicity. Additionally, in vitro bioinformatics analysis indicate that the c.4882C>A (p.Pro1628Thr) variant perturbs an amino acid chain and generates an extra hydrogen bond within the mutant p.Thr1628. In summary, the c.4882C>A (p.Pro1628Thr) variant meets our criteria to be classified as pathogenic based upon segregation studies, absence from controls, and functional prediction.

Literature cited by the submitters: DOI 10.3389/fcell.2021.732930.